The following is an entry in ClinVar:

NM_031844.3(HNRNPU):c.83A>G (p.Lys28Arg)

Gene: HNRNPU (heterogeneous nuclear ribonucleoprotein U; minus strand). Cytogenetic location: 1q44.
Variant type: single nucleotide variant.
Coding change: c.83A>G on transcript NM_031844.3 (MANE Select); coding-DNA position 83, A replaced by G.
Protein change: p.Lys28Arg; replaces lysine 28 with arginine.
Molecular consequence: missense variant.
Genome position (GRCh38, 1-based): chr1:244,864,225, T>C on the plus strand (A>G on the coding strand, the complement: HNRNPU is on the minus strand). VCF-style: chr1-244864225-T-C. GRCh37 (hg19) VCF-style: chr1-245027527-T-C.
Other names: c.83A>G, p.Lys28Arg (NM_004501.3); short protein forms K28R.
Identifiers: ClinVar variation 446406 (VCV000446406.41), dbSNP rs200952460, ClinGen allele CA1486870.

ClinVar aggregate classification (germline): Likely benign. Review status: criteria provided, multiple submitters, no conflicts (2 of 4 stars). 3 submissions from 3 submitters: Likely benign (3). Last evaluated 2026-09-01.

Conditions:
Inborn genetic diseases. Identifiers: MedGen C0950123, MeSH D030342.
Developmental and epileptic encephalopathy, 54. Also called: HNRNPU-Related Neurodevelopmental Disorder; Epileptic encephalopathy, early infantile, 54. Identifiers: MedGen C4479319, MONDO:0033363, OMIM 617391.

Allele frequency attached by ClinVar (database versions not stated): ESP Exome Variant Server 0.00008; TOPMed 0.00014; gnomAD 0.00015 and 0.00016; gnomAD exomes 0.00015 and 0.00019; 1000 Genomes Project 30x 0.00016; 1000 Genomes Project 0.00020; ExAC 0.00023.
gnomAD v4.1: 311 of 1,612,914 alleles (0.019%); highest among the groups gnomAD compares: East Asian, 0.047%; no homozygotes.

Submissions (3):

CeGaT Center for Human Genetics Tuebingen
Classification: Likely benign. Last evaluated: 2026-09-01. Review status: criteria provided, single submitter. Criteria: CeGaT Center For Human Genetics Tuebingen Variant Classification Criteria Version 2. Collection method: clinical testing. Allele origin: germline. Affected: yes. Observed: 7 variant alleles.
Comment: HNRNPU: BS1

Labcorp Genetics (formerly Invitae), Labcorp
Classification: Likely benign for Developmental and epileptic encephalopathy, 54. Last evaluated: 2026-02-01. Review status: criteria provided, single submitter. Criteria: Invitae Variant Classification Sherloc (09022015). Collection method: clinical testing. Allele origin: germline.

Ambry Genetics
Classification: Likely benign for Inborn genetic diseases. Last evaluated: 2017-11-02. Review status: criteria provided, single submitter. Criteria: Ambry Variant Classification Scheme 2023. Collection method: clinical testing. Allele origin: germline.